The following is an entry in ClinVar:

NM_005045.4(RELN):c.5227T>C (p.Phe1743Leu)

Gene: RELN (reelin; minus strand). Cytogenetic location: 7q22.1.
Variant type: single nucleotide variant.
Coding change: c.5227T>C on transcript NM_005045.4 (MANE Select); coding-DNA position 5227, T replaced by C.
Protein change: p.Phe1743Leu; replaces phenylalanine 1743 with leucine.
Molecular consequence: missense variant.
Genome position (GRCh38, 1-based): chr7:103,561,937, A>G on the plus strand (T>C on the coding strand, the complement: RELN is on the minus strand). VCF-style: chr7-103561937-A-G. GRCh37 (hg19) VCF-style: chr7-103202384-A-G.
Other names: c.5227T>C (NM_005045.3); c.5227T>C, p.Phe1743Leu (NM_173054.3); short protein forms F1743L.
Identifiers: ClinVar variation 1516456 (VCV001516456.7), dbSNP rs773427684, ClinGen allele CA4421268.

ClinVar aggregate classification (germline): Uncertain significance. Review status: criteria provided, multiple submitters, no conflicts (2 of 4 stars). 2 submissions from 2 submitters: Uncertain significance (2). Last evaluated 2023-06-29.

Conditions:
Norman-Roberts syndrome (LIS2). Also called: Lissencephaly 2 (Norman-Roberts type). Identifiers: Orphanet 89844, MedGen C0796089, MONDO:0009760, OMIM 257320.
Familial temporal lobe epilepsy 7. Identifiers: Orphanet 101046, MedGen C4225327, MONDO:0014639, OMIM 616436.
Inborn genetic diseases. Identifiers: MedGen C0950123, MeSH D030342.

Allele frequency attached by ClinVar (database versions not stated): gnomAD exomes 0.00001; ExAC 0.00002.
gnomAD v4.1: 6 of 1,505,792 alleles (0.0004%); highest among the groups gnomAD compares: Non-Finnish European, 0.00045%; no homozygotes.

Submissions (2):

Ambry Genetics
Classification: Uncertain significance for Inborn genetic diseases. Last evaluated: 2023-06-29. Review status: criteria provided, single submitter. Criteria: Ambry Variant Classification Scheme 2023. Collection method: clinical testing. Allele origin: germline.

Labcorp Genetics (formerly Invitae), Labcorp
Classification: Uncertain significance for Familial temporal lobe epilepsy 7; Norman-Roberts syndrome. Last evaluated: 2021-08-31. Review status: criteria provided, single submitter. Criteria: Invitae Variant Classification Sherloc (09022015). Collection method: clinical testing. Allele origin: germline.
Comment: This sequence change replaces phenylalanine with leucine at codon 1743 of the RELN protein (p.Phe1743Leu). The phenylalanine residue is highly conserved and there is a small physicochemical difference between phenylalanine and leucine. This variant is present in population databases (rs773427684, ExAC 0.003%). This variant has not been reported in the literature in individuals affected with RELN-related conditions. Algorithms developed to predict the effect of missense changes on protein structure and function are either unavailable or do not agree on the potential impact of this missense change (SIFT: "Deleterious"; PolyPhen-2: "Probably Damaging"; Align-GVGD: "Class C0"). In summary, the available evidence is currently insufficient to determine the role of this variant in disease. Therefore, it has been classified as a Variant of Uncertain Significance.